The following is an entry in ClinVar:

ClinVar aggregate classification (germline): Uncertain significance (1 of 4 stars; one submission).

Conditions:
Inborn genetic diseases. Identifiers: MedGen C0950123, MeSH D030342.

Submission:

Ambry Genetics
Classification: Uncertain significance for Inborn genetic diseases. Last evaluated: 2022-07-19. Review status: criteria provided, single submitter. Criteria: Ambry Variant Classification Scheme 2023. Collection method: clinical testing. Allele origin: germline.
Comment: The c.757-3delC alteration is located in Intron 8 (E) of the MAST3 gene. This alteration consists of a deletion of 1 nucleotides at nucleotide position c.757-3 Intron 8 (E). Based on insufficient or conflicting evidence, the clinical significance of this alteration remains unclear.

NM_001393504.1(MAST3):c.844-3del

Gene: MAST3 (microtubule associated serine/threonine kinase 3; plus strand). Cytogenetic location: 19p13.11.
Variant type: Deletion.
Coding change: c.844-3del on transcript NM_001393504.1 (MANE Select); 3 bases into the intron before coding-DNA position 844, one base deleted (C; older notation c.844-3delC).
Molecular consequence: intron variant.
Genome position (GRCh38, 1-based): chr19:18,124,262, C deleted; the last of 5 consecutive C bases (chr19:18,124,258-18,124,262); deleting any one gives the same sequence. VCF-style (leftmost placement, unchanged base first): chr19-18124257-TC-T. GRCh37 (hg19) VCF-style: chr19-18235067-TC-T.
Other names: c.868-3del (NM_001393501.1); c.847-3del (NM_001393502.1); c.778-3del (NM_001393508.1, NM_001393516.1); c.757-3del (NM_001393514.1, NM_015016.2); c.775-3del (NM_001393509.1, NM_001393512.1, NM_001393518.1 and 2 more transcripts); c.754-3del (NM_001393515.1, NM_001393520.1); c.844-3del (NM_001393503.1); c.823-3del (NM_001393507.1); and 4 more.
Identifiers: ClinVar variation 2224373 (VCV002224373.2), dbSNP rs745844438, ClinGen allele CA9305721.